The following is an entry in ClinVar:

ClinVar aggregate classification (germline): Uncertain significance (1 of 4 stars; one submission).

Submission:

Labcorp Genetics (formerly Invitae), Labcorp
Classification: Uncertain significance. Last evaluated: 2025-08-04. Review status: criteria provided, single submitter. Criteria: Invitae Variant Classification Sherloc (09022015). Collection method: clinical testing. Allele origin: germline.
Comment: This sequence change replaces leucine, which is neutral and non-polar, with phenylalanine, which is neutral and non-polar, at codon 157 of the ACVR1 protein (p.Leu157Phe). This variant is not present in population databases (gnomAD no frequency). This variant has not been reported in the literature in individuals affected with ACVR1-related conditions. ClinVar contains an entry for this variant (Variation ID: 2716900). An algorithm developed to predict the effect of missense changes on protein structure and function (PolyPhen-2) suggests that this variant is likely to be tolerated. In summary, the available evidence is currently insufficient to determine the role of this variant in disease. Therefore, it has been classified as a Variant of Uncertain Significance.

NM_001111067.4(ACVR1):c.469C>T (p.Leu157Phe)

Gene: ACVR1 (activin A receptor type 1; minus strand). Cytogenetic location: 2q24.1.
Variant type: single nucleotide variant.
Coding change: c.469C>T on transcript NM_001111067.4 (MANE Select); coding-DNA position 469, C replaced by T.
Protein change: p.Leu157Phe; replaces leucine 157 with phenylalanine.
Molecular consequence: missense variant.
Genome position (GRCh38, 1-based): chr2:157,778,205, G>A on the plus strand (C>T on the coding strand, the complement: ACVR1 is on the minus strand). VCF-style: chr2-157778205-G-A. GRCh37 (hg19) VCF-style: chr2-158634717-G-A.
Other names: c.469C>T, p.Leu157Phe (NM_001105.5, NM_001347663.1, NM_001347664.1 and 3 more transcripts); short protein forms L157F.
Identifiers: ClinVar variation 2716900 (VCV002716900.3), dbSNP rs1686366757, ClinGen allele CA349192867.